The following is an entry in ClinVar:

ClinVar aggregate classification (germline): Uncertain significance (1 of 4 stars; one submission).

Submission:

Labcorp Genetics (formerly Invitae), Labcorp
Classification: Uncertain significance. Last evaluated: 2024-11-18. Review status: criteria provided, single submitter. Criteria: Invitae Variant Classification Sherloc (09022015). Collection method: clinical testing. Allele origin: germline.
Comment: This sequence change creates a premature translational stop signal (p.Gln163*) in the TNNI3K gene. It is expected to result in an absent or disrupted protein product. However, the current clinical and genetic evidence is not sufficient to establish whether loss-of-function variants in TNNI3K cause disease. This variant is not present in population databases (gnomAD no frequency). This variant has not been reported in the literature in individuals affected with TNNI3K-related conditions. ClinVar contains an entry for this variant (Variation ID: 1371661). In summary, the available evidence is currently insufficient to determine the role of this variant in disease. Therefore, it has been classified as a Variant of Uncertain Significance.

NM_015978.3(TNNI3K):c.487C>T (p.Gln163Ter)

Genes: FPGT-TNNI3K (FPGT-TNNI3K readthrough; plus strand), TNNI3K (TNNI3 interacting kinase; plus strand). Cytogenetic location: 1p31.1.
Variant type: single nucleotide variant.
Coding change: c.487C>T on transcript NM_015978.3 (MANE Select); coding-DNA position 487, C replaced by T.
Protein change: p.Gln163Ter; replaces glutamine 163 with a stop codon.
Molecular consequence: nonsense.
Genome position (GRCh38, 1-based): chr1:74,331,492, C>T. VCF-style: chr1-74331492-C-T. GRCh37 (hg19) VCF-style: chr1-74797176-C-T.
Other names: c.790C>T, p.Gln264Ter (NM_001112808.3, NM_001199327.2); short protein forms Q264*, Q163*.
Identifiers: ClinVar variation 1371661 (VCV001371661.6), dbSNP rs2100412806, ClinGen allele CA340779639.